The following is an entry in ClinVar:

NM_000088.4(COL1A1):c.3250del (p.Arg1084fs)

Gene: COL1A1 (collagen type I alpha 1 chain; minus strand). Cytogenetic location: 17q21.33.
Variant type: Deletion.
Coding change: c.3250del on transcript NM_000088.4 (MANE Select); coding-DNA position 3250, one base deleted (C; older notation c.3250delC).
Protein change: p.Arg1084fs; shifts the reading frame from arginine 1084.
Molecular consequence: frameshift variant.
Genome position (GRCh38, 1-based): chr17:50,188,107, G deleted on the plus strand (C on the coding strand, the reverse complement: COL1A1 is on the minus strand); the first of 3 consecutive G bases (chr17:50,188,107-50,188,109); deleting any one gives the same sequence. VCF-style (leftmost placement, unchanged base first): chr17-50188106-CG-C. GRCh37 (hg19) VCF-style: chr17-48265467-CG-C.
Other names: short protein forms R1084fs.
Identifiers: ClinVar variation 1450291 (VCV001450291.6), dbSNP rs2144543514, ClinGen allele CA2573154193.

ClinVar aggregate classification (germline): Pathogenic (1 of 4 stars; one submission).

Conditions:
Osteogenesis imperfecta type I (OI1). Also called: Lobstein disease; OI, TYPE I; OSTEOGENESIS IMPERFECTA TARDA; OSTEOGENESIS IMPERFECTA WITH BLUE SCLERAE; Lobstein's Disease; Classic Non-deforming Osteogenesis Imperfecta with Blue Sclerae. Identifiers: Orphanet 216796, Orphanet 666, MedGen C0023931, MONDO:0008146, OMIM 166200. Disease mechanism: loss of function.

Submission:

Labcorp Genetics (formerly Invitae), Labcorp
Classification: Pathogenic for Osteogenesis imperfecta type I. Last evaluated: 2023-09-10. Review status: criteria provided, single submitter. Criteria: Invitae Variant Classification Sherloc (09022015). Collection method: clinical testing. Allele origin: germline.
Comment: This sequence change creates a premature translational stop signal (p.Arg1084Valfs*24) in the COL1A1 gene. It is expected to result in an absent or disrupted protein product. Loss-of-function variants in COL1A1 are known to be pathogenic (PMID: 7942841, 9295084, 9443882). This variant is not present in population databases (gnomAD no frequency). This variant has not been reported in the literature in individuals affected with COL1A1-related conditions. ClinVar contains an entry for this variant (Variation ID: 1450291). For these reasons, this variant has been classified as Pathogenic.

Literature cited by the submitters: PubMed 7942841; PubMed 9295084; PubMed 9443882.